The following is an entry in ClinVar:

NM_000283.4(PDE6B):c.278G>A (p.Ser93Asn)

Gene: PDE6B (phosphodiesterase 6B; plus strand). Cytogenetic location: 4p16.3.
Variant type: single nucleotide variant.
Coding change: c.278G>A on transcript NM_000283.4 (MANE Select); coding-DNA position 278, G replaced by A.
Protein change: p.Ser93Asn; replaces serine 93 with asparagine.
Molecular consequence: missense variant.
Genome position (GRCh38, 1-based): chr4:625,904, G>A. VCF-style: chr4-625904-G-A. GRCh37 (hg19) VCF-style: chr4-619693-G-A.
Other names: c.278G>A, p.Ser93Asn (NM_001145291.2, NM_001440547.1, NM_001440548.1); short protein forms S93N.
Identifiers: ClinVar variation 4627215 (VCV004627215.3).
Genomic context (GRCh38, chr4:625,904, plus strand): 5'-AGCGCGTGGTCTTCAAGGTCCTGCGGCGCCTCTGCACCCTCCTGCAGGCCGACCGCTGCA[G>A]CCTCTTCATGTACCGCCAGCGCAACGGCGTGGCCGAGCTGGCCACCAGGCTTTTCAGCGT-3'
Protein context (NP_000274.3, residues 83-103): LCTLLQADRC[Ser93Asn]LFMYRQRNGV

ClinVar aggregate classification (germline): Uncertain significance. Review status: criteria provided, multiple submitters, no conflicts (2 of 4 stars). 3 submissions from 3 submitters: Uncertain significance (3). Last evaluated 2025-11-08.

Conditions:
Inborn genetic diseases. Identifiers: MedGen C0950123, MeSH D030342.

gnomAD v4.1: 5 of 1,603,692 alleles (0.00031%); highest among the groups gnomAD compares: Admixed American, 0.0051%; no homozygotes.

Submissions (3):

Ambry Genetics
Classification: Uncertain significance for Inborn genetic diseases. Last evaluated: 2025-11-08. Review status: criteria provided, single submitter. Criteria: Ambry Variant Classification Scheme 2023. Collection method: clinical testing. Allele origin: germline.

Labcorp Genetics (formerly Invitae), Labcorp
Classification: Uncertain significance. Last evaluated: 2025-11-07. Review status: criteria provided, single submitter. Criteria: Invitae Variant Classification Sherloc (09022015). Collection method: clinical testing. Allele origin: germline.
Comment: This sequence change replaces serine, which is neutral and polar, with asparagine, which is neutral and polar, at codon 93 of the PDE6B protein (p.Ser93Asn). This variant is present in population databases (no rsID available, gnomAD 0.01%). This variant has not been reported in the literature in individuals affected with PDE6B-related conditions. Invitae Evidence Modeling of protein sequence and biophysical properties (such as structural, functional, and spatial information, amino acid conservation, physicochemical variation, residue mobility, and thermodynamic stability) has been performed for this missense variant. However, the output from this modeling did not meet the statistical confidence thresholds required to predict the impact of this variant on PDE6B protein function. In summary, the available evidence is currently insufficient to determine the role of this variant in disease. Therefore, it has been classified as a Variant of Uncertain Significance.

Blueprint Genetics
Classification: Uncertain significance. Last evaluated: 2022-10-14. Review status: criteria provided, single submitter. Criteria: ACMG Guidelines, 2015. Collection method: clinical testing. Allele origin: germline.